The following is an entry in ClinVar:

ClinVar aggregate classification (germline): Likely benign (1 of 4 stars; one submission).

Submission:

CeGaT Center for Human Genetics Tuebingen
Classification: Likely benign. Last evaluated: 2024-10-01. Review status: criteria provided, single submitter. Criteria: CeGaT Center For Human Genetics Tuebingen Variant Classification Criteria Version 2. Collection method: clinical testing. Allele origin: germline. Affected: yes. Observed: 1 variant allele.
Comment: STIL: PM2:Supporting, BP4, BP7

NM_001048166.1(STIL):c.3582A>G (p.Pro1194=)

Gene: STIL (STIL centriolar assembly protein; minus strand). Cytogenetic location: 1p33.
Variant type: single nucleotide variant.
Coding change: c.3582A>G on transcript NM_001048166.1 (MANE Select); coding-DNA position 3582, A replaced by G.
Protein change: p.Pro1194=; no amino-acid change (proline 1194 retained).
Molecular consequence: synonymous variant.
Genome position (GRCh38, 1-based): chr1:47,251,421, T>C on the plus strand (A>G on the coding strand, the complement: STIL is on the minus strand). VCF-style: chr1-47251421-T-C. GRCh37 (hg19) VCF-style: chr1-47717093-T-C.
Other names: c.3579A>G, p.Pro1193= (NM_001282936.1, NM_003035.2); c.3528A>G, p.Pro1176= (NM_001282937.1); c.3441A>G, p.Pro1147= (NM_001282938.1, NM_001377417.1); c.3387A>G, p.Pro1129= (NM_001282939.1).
Identifiers: ClinVar variation 3389934 (VCV003389934.14).